The following is an entry in ClinVar:

NM_020366.4(RPGRIP1):c.2441G>C (p.Arg814Pro)

Gene: RPGRIP1 (RPGR interacting protein 1; plus strand). Cytogenetic location: 14q11.2.
Variant type: single nucleotide variant.
Coding change: c.2441G>C on transcript NM_020366.4 (MANE Select); coding-DNA position 2441, G replaced by C.
Protein change: p.Arg814Pro; replaces arginine 814 with proline.
Molecular consequence: missense variant. On other transcripts: intron variant (4).
Genome position (GRCh38, 1-based): chr14:21,325,904, G>C. VCF-style: chr14-21325904-G-C. GRCh37 (hg19) VCF-style: chr14-21794063-G-C.
Other names: c.1367G>C, p.Arg456Pro (NM_001377948.1); c.796+1179G>C (NM_001377949.1); c.689-1719G>C (NM_001377523.1, NM_001377950.1); c.191-1719G>C (NM_001377951.1); short protein forms R456P, R814P.
Identifiers: ClinVar variation 3757479 (VCV003757479.3).

ClinVar aggregate classification (germline): Uncertain significance. Review status: criteria provided, multiple submitters, no conflicts (2 of 4 stars). 2 submissions from 2 submitters: Uncertain significance (2). Last evaluated 2024-10-16.

Conditions:
Cone-rod dystrophy 13 (CORD13). Identifiers: Orphanet 1872, MedGen C2750720, MONDO:0011987, OMIM 608194.
Leber congenital amaurosis 6 (LCA6). Identifiers: Orphanet 65, MedGen C1854260, MONDO:0013446, OMIM 613826.

gnomAD v4.1: 1 of 1,613,894 alleles (0.000062%); highest among the groups gnomAD compares: South Asian, 0.0011%; no homozygotes.

Submissions (2):

Labcorp Genetics (formerly Invitae), Labcorp
Classification: Uncertain significance for Leber congenital amaurosis 6; Cone-rod dystrophy 13. Last evaluated: 2024-10-16. Review status: criteria provided, single submitter. Criteria: Invitae Variant Classification Sherloc (09022015). Collection method: clinical testing. Allele origin: germline.
Comment: This sequence change replaces arginine, which is basic and polar, with proline, which is neutral and non-polar, at codon 814 of the RPGRIP1 protein (p.Arg814Pro). This variant is not present in population databases (gnomAD no frequency). This variant has not been reported in the literature in individuals affected with RPGRIP1-related conditions. Invitae Evidence Modeling of protein sequence and biophysical properties (such as structural, functional, and spatial information, amino acid conservation, physicochemical variation, residue mobility, and thermodynamic stability) indicates that this missense variant is expected to disrupt RPGRIP1 protein function with a positive predictive value of 80%. In summary, the available evidence is currently insufficient to determine the role of this variant in disease. Therefore, it has been classified as a Variant of Uncertain Significance.

Blueprint Genetics
Classification: Uncertain significance. Last evaluated: 2019-06-24. Review status: criteria provided, single submitter. Criteria: ACMG Guidelines, 2015. Collection method: clinical testing. Allele origin: germline.